The following is an entry in ClinVar:

ClinVar aggregate classification (germline): Uncertain significance (1 of 4 stars; one submission).

Allele frequency attached by ClinVar (database versions not stated): ExAC 0.00002; gnomAD exomes 0.00002; gnomAD 0.00009; TOPMed 0.00014; 1000 Genomes Project 0.00020; 1000 Genomes Project 30x 0.00031.
gnomAD v4.1: 43 of 1,612,860 alleles (0.0027%); highest among the groups gnomAD compares: Admixed American, 0.025%; no homozygotes.

Submission:

Ambry Genetics
Classification: Uncertain significance. Last evaluated: 2026-03-10. Review status: criteria provided, single submitter. Criteria: Ambry Variant Classification Scheme 2023. Collection method: clinical testing. Allele origin: germline.
Comment: The c.2698G>A (p.V900I) alteration is located in exon 24 (coding exon 24) of the ATP13A5 gene. This alteration results from a G to A substitution at nucleotide position 2698, causing the valine (V) at amino acid position 900 to be replaced by an isoleucine (I). Based on data from gnomAD, the A allele has an overall frequency of 0.002% (5/250170) total alleles studied. The highest observed frequency was 0.016% (1/6092) of Other alleles. Based on insufficient or conflicting evidence, the clinical significance of this alteration remains unclear.

NM_198505.4(ATP13A5):c.2698G>A (p.Val900Ile)

Gene: ATP13A5 (ATPase 13A5; minus strand). Cytogenetic location: 3q29.
Variant type: single nucleotide variant.
Coding change: c.2698G>A on transcript NM_198505.4 (MANE Select); coding-DNA position 2698, G replaced by A.
Protein change: p.Val900Ile; replaces valine 900 with isoleucine.
Molecular consequence: missense variant.
Genome position (GRCh38, 1-based): chr3:193,301,288, C>T on the plus strand (G>A on the coding strand, the complement: ATP13A5 is on the minus strand). VCF-style: chr3-193301288-C-T. GRCh37 (hg19) VCF-style: chr3-193019077-C-T.
Other names: short protein forms V900I.
Identifiers: ClinVar variation 3131444 (VCV003131444.2), dbSNP rs545966151, ClinGen allele CA2756703.